The following is an entry in ClinVar:

ClinVar aggregate classification (germline): Uncertain significance. Review status: criteria provided, multiple submitters, no conflicts (2 of 4 stars). 2 submissions from 2 submitters: Uncertain significance (2). Last evaluated 2025-08-24.

gnomAD v4.1: 12 of 1,609,912 alleles (0.00075%); highest among the groups gnomAD compares: South Asian, 0.0066%; no homozygotes.

Submissions (3):

Labcorp Genetics (formerly Invitae), Labcorp
Classification: Uncertain significance. Last evaluated: 2025-08-24. Review status: criteria provided, single submitter. Criteria: Invitae Variant Classification Sherloc (09022015). Collection method: clinical testing. Allele origin: germline.
Comment: This sequence change replaces arginine, which is basic and polar, with tryptophan, which is neutral and slightly polar, at codon 1608 of the MYH14 protein (p.Arg1608Trp). The frequency data for this variant in the population databases is considered unreliable, as metrics indicate poor data quality at this position in the gnomAD database. This variant has not been reported in the literature in individuals affected with MYH14-related conditions. ClinVar contains an entry for this variant (Variation ID: 1423329). Invitae Evidence Modeling of protein sequence and biophysical properties (such as structural, functional, and spatial information, amino acid conservation, physicochemical variation, residue mobility, and thermodynamic stability) indicates that this missense variant is expected to disrupt MYH14 protein function with a positive predictive value of 80%. In summary, the available evidence is currently insufficient to determine the role of this variant in disease. Therefore, it has been classified as a Variant of Uncertain Significance.

GeneDx
Classification: Uncertain significance. Last evaluated: 2024-05-21. Review status: criteria provided, single submitter. Criteria: GeneDx Variant Classification Process June 2021. Collection method: clinical testing. Allele origin: germline. Affected: yes.
Comment: In silico analysis supports that this missense variant has a deleterious effect on protein structure/function; Has not been previously published as pathogenic or benign to our knowledge

Dr. Peter K. Rogan Lab, Western University
No classification provided (evidence only). Condition: Glioma susceptibility 1. Review status: no classification provided. Collection method: in vitro. Allele origin: not applicable. Functional consequence: retained intron. Not counted in ClinVar's aggregate classification.

NM_001145809.2(MYH14):c.4945C>T (p.Arg1649Trp)

Gene: MYH14 (myosin heavy chain 14; plus strand). Cytogenetic location: 19q13.33.
Variant type: single nucleotide variant.
Coding change: c.4945C>T on transcript NM_001145809.2 (MANE Select); coding-DNA position 4945, C replaced by T.
Protein change: p.Arg1649Trp; replaces arginine 1649 with tryptophan.
Molecular consequence: missense variant.
Genome position (GRCh38, 1-based): chr19:50,289,628, C>T. VCF-style: chr19-50289628-C-T. GRCh37 (hg19) VCF-style: chr19-50792885-C-T.
Other names: c.4846C>T, p.Arg1616Trp (NM_001077186.2); c.4822C>T, p.Arg1608Trp (NM_024729.4); c.4822C>T (NM_024729.3); short protein forms R1608W, R1616W, R1649W.
Identifiers: ClinVar variation 1423329 (VCV001423329.10), dbSNP rs1249048707, ClinGen allele CA406960781.